The following is an entry in ClinVar:

ClinVar aggregate classification (germline): Uncertain significance (1 of 4 stars; one submission).

gnomAD v4.1: 1 of 1,614,070 alleles (0.000062%); no homozygotes.

Submission:

Labcorp Genetics (formerly Invitae), Labcorp
Classification: Uncertain significance. Last evaluated: 2024-08-17. Review status: criteria provided, single submitter. Criteria: Invitae Variant Classification Sherloc (09022015). Collection method: clinical testing. Allele origin: germline.
Comment: This sequence change replaces leucine, which is neutral and non-polar, with valine, which is neutral and non-polar, at codon 57 of the WNT1 protein (p.Leu57Val). This variant is not present in population databases (gnomAD no frequency). This variant has not been reported in the literature in individuals affected with WNT1-related conditions. Invitae Evidence Modeling of protein sequence and biophysical properties (such as structural, functional, and spatial information, amino acid conservation, physicochemical variation, residue mobility, and thermodynamic stability) indicates that this missense variant is not expected to disrupt WNT1 protein function with a negative predictive value of 80%. In summary, the available evidence is currently insufficient to determine the role of this variant in disease. Therefore, it has been classified as a Variant of Uncertain Significance.

NM_005430.4(WNT1):c.169C>G (p.Leu57Val)

Gene: WNT1 (Wnt family member 1; plus strand). Cytogenetic location: 12q13.12.
Variant type: single nucleotide variant.
Coding change: c.169C>G on transcript NM_005430.4 (MANE Select); coding-DNA position 169, C replaced by G.
Protein change: p.Leu57Val; replaces leucine 57 with valine.
Molecular consequence: missense variant.
Genome position (GRCh38, 1-based): chr12:48,979,532, C>G. VCF-style: chr12-48979532-C-G. GRCh37 (hg19) VCF-style: chr12-49373315-C-G.
Other names: short protein forms L57V.
Identifiers: ClinVar variation 3711192 (VCV003711192.2).